The following is an entry in ClinVar:

NM_003630.3(PEX3):c.259G>A (p.Glu87Lys)

Gene: PEX3 (peroxisomal biogenesis factor 3; plus strand). Cytogenetic location: 6q24.2.
Variant type: single nucleotide variant.
Coding change: c.259G>A on transcript NM_003630.3 (MANE Select); coding-DNA position 259, G replaced by A.
Protein change: p.Glu87Lys; replaces glutamic acid 87 with lysine.
Molecular consequence: missense variant.
Genome position (GRCh38, 1-based): chr6:143,462,969, G>A. VCF-style: chr6-143462969-G-A. GRCh37 (hg19) VCF-style: chr6-143784106-G-A.
Other names: short protein forms E87K.
Identifiers: ClinVar variation 1954150 (VCV001954150.3), dbSNP rs1779945727, ClinGen allele CA365906558.

ClinVar aggregate classification (germline): Uncertain significance (1 of 4 stars; one submission).

Allele frequency attached by ClinVar (database versions not stated): gnomAD 0.00001; TOPMed 0.00001.
gnomAD v4.1: 5 of 1,613,452 alleles (0.00031%); highest among the groups gnomAD compares: South Asian, 0.0011%; no homozygotes.

Submission:

Labcorp Genetics (formerly Invitae), Labcorp
Classification: Uncertain significance. Last evaluated: 2022-02-08. Review status: criteria provided, single submitter. Criteria: Invitae Variant Classification Sherloc (09022015). Collection method: clinical testing. Allele origin: germline.
Comment: This variant has not been reported in the literature in individuals affected with PEX3-related conditions. In summary, the available evidence is currently insufficient to determine the role of this variant in disease. Therefore, it has been classified as a Variant of Uncertain Significance. Algorithms developed to predict the effect of missense changes on protein structure and function are either unavailable or do not agree on the potential impact of this missense change (SIFT: "Deleterious"; PolyPhen-2: "Probably Damaging"; Align-GVGD: "Class C15"). This variant is not present in population databases (gnomAD no frequency). This sequence change replaces glutamic acid, which is acidic and polar, with lysine, which is basic and polar, at codon 87 of the PEX3 protein (p.Glu87Lys).